The following is an entry in ClinVar:

ClinVar aggregate classification (germline): Uncertain significance (1 of 4 stars; one submission).

Allele frequency attached by ClinVar (database versions not stated): ExAC 0.00002; gnomAD 0.00003; TOPMed 0.00003.
gnomAD v4.1: 4 of 1,614,122 alleles (0.00025%); highest among the groups gnomAD compares: African/African-American, 0.0053%; no homozygotes.

Submission:

Labcorp Genetics (formerly Invitae), Labcorp
Classification: Uncertain significance. Last evaluated: 2023-08-11. Review status: criteria provided, single submitter. Criteria: Invitae Variant Classification Sherloc (09022015). Collection method: clinical testing. Allele origin: germline.
Comment: An algorithm developed to predict the effect of missense changes on protein structure and function (PolyPhen-2) suggests that this variant is likely to be disruptive. In summary, the available evidence is currently insufficient to determine the role of this variant in disease. Therefore, it has been classified as a Variant of Uncertain Significance. This sequence change replaces cysteine, which is neutral and slightly polar, with serine, which is neutral and polar, at codon 730 of the IMPG1 protein (p.Cys730Ser). This variant is present in population databases (rs757420861, gnomAD 0.02%). This variant has not been reported in the literature in individuals affected with IMPG1-related conditions.

NM_001563.4(IMPG1):c.2189G>C (p.Cys730Ser)

Gene: IMPG1 (interphotoreceptor matrix proteoglycan 1; minus strand). Cytogenetic location: 6q14.1.
Variant type: single nucleotide variant.
Coding change: c.2189G>C on transcript NM_001563.4 (MANE Select); coding-DNA position 2189, G replaced by C.
Protein change: p.Cys730Ser; replaces cysteine 730 with serine.
Molecular consequence: missense variant.
Genome position (GRCh38, 1-based): chr6:75,931,007, C>G on the plus strand (G>C on the coding strand, the complement: IMPG1 is on the minus strand). VCF-style: chr6-75931007-C-G. GRCh37 (hg19) VCF-style: chr6-76640724-C-G.
Other names: c.1955G>C, p.Cys652Ser (NM_001282368.2); short protein forms C652S, C730S.
Identifiers: ClinVar variation 2995173 (VCV002995173.3), dbSNP rs757420861, ClinGen allele CA3897907.